The following is an entry in ClinVar:

NM_001079843.3(CASZ1):c.3834A>C (p.Lys1278Asn)

Gene: CASZ1 (castor zinc finger 1; minus strand). Cytogenetic location: 1p36.22.
Variant type: single nucleotide variant.
Coding change: c.3834A>C on transcript NM_001079843.3 (MANE Select); coding-DNA position 3834, A replaced by C.
Protein change: p.Lys1278Asn; replaces lysine 1278 with asparagine.
Molecular consequence: missense variant.
Genome position (GRCh38, 1-based): chr1:10,644,951, T>G on the plus strand (A>C on the coding strand, the complement: CASZ1 is on the minus strand). VCF-style: chr1-10644951-T-G. GRCh37 (hg19) VCF-style: chr1-10705008-T-G.
Other names: c.3834A>C (NM_001079843.1); short protein forms K1278N.
Identifiers: ClinVar variation 1902416 (VCV001902416.6), dbSNP rs1215539838, ClinGen allele CA338353384.

ClinVar aggregate classification (germline): Uncertain significance. Review status: criteria provided, multiple submitters, no conflicts (2 of 4 stars). 2 submissions from 2 submitters: Uncertain significance (2). Last evaluated 2024-10-22.

Allele frequency attached by ClinVar (database versions not stated): gnomAD 0.00001; gnomAD exomes 0.00001; TOPMed 0.00002.
gnomAD v4.1: 18 of 1,613,796 alleles (0.0011%); highest among the groups gnomAD compares: Non-Finnish European, 0.0014%; 1 homozygote.

Submissions (2):

Labcorp Genetics (formerly Invitae), Labcorp
Classification: Uncertain significance. Last evaluated: 2024-10-22. Review status: criteria provided, single submitter. Criteria: Invitae Variant Classification Sherloc (09022015). Collection method: clinical testing. Allele origin: germline.
Comment: This sequence change replaces lysine, which is basic and polar, with asparagine, which is neutral and polar, at codon 1278 of the CASZ1 protein (p.Lys1278Asn). This variant is present in population databases (no rsID available, gnomAD 0.0009%). This variant has not been reported in the literature in individuals affected with CASZ1-related conditions. ClinVar contains an entry for this variant (Variation ID: 1902416). An algorithm developed to predict the effect of missense changes on protein structure and function (PolyPhen-2) suggests that this variant is likely to be disruptive. In summary, the available evidence is currently insufficient to determine the role of this variant in disease. Therefore, it has been classified as a Variant of Uncertain Significance.

Ambry Genetics
Classification: Uncertain significance. Last evaluated: 2024-08-14. Review status: criteria provided, single submitter. Criteria: Ambry Variant Classification Scheme 2023. Collection method: clinical testing. Allele origin: germline.